The following is an entry in ClinVar:

NM_000135.4(FANCA):c.2098T>C (p.Ser700Pro)

Gene: FANCA (FA complementation group A; minus strand). Cytogenetic location: 16q24.3.
Variant type: single nucleotide variant.
Coding change: c.2098T>C on transcript NM_000135.4 (MANE Select); coding-DNA position 2098, T replaced by C.
Protein change: p.Ser700Pro; replaces serine 700 with proline.
Molecular consequence: missense variant.
Genome position (GRCh38, 1-based): chr16:89,771,731, A>G on the plus strand (T>C on the coding strand, the complement: FANCA is on the minus strand). VCF-style: chr16-89771731-A-G. GRCh37 (hg19) VCF-style: chr16-89838139-A-G.
Other names: c.2098T>C (NM_000135.3); c.2098T>C, p.Ser700Pro (NM_001286167.3); short protein forms S700P.
Identifiers: ClinVar variation 934036 (VCV000934036.10), dbSNP rs767631694, ClinGen allele CA397448268.

ClinVar aggregate classification (germline): Uncertain significance. Review status: criteria provided, multiple submitters, no conflicts (2 of 4 stars). 5 submissions from 5 submitters: Uncertain significance (4). 1 of the submissions does not count toward it. Last evaluated 2025-11-24.

Conditions:
Inborn genetic diseases. Identifiers: MedGen C0950123, MeSH D030342.
Fanconi anemia (FA). Also called: Fanconi's anemia. Identifiers: Orphanet 84, MedGen C0015625, MeSH D005199, MONDO:0019391.

gnomAD v4.1: 6 of 1,613,970 alleles (0.00037%); highest among the groups gnomAD compares: South Asian, 0.0011%; no homozygotes.

Submissions (5):

Labcorp Genetics (formerly Invitae), Labcorp
Classification: Uncertain significance for Fanconi anemia. Last evaluated: 2025-11-24. Review status: criteria provided, single submitter. Criteria: Invitae Variant Classification Sherloc (09022015). Collection method: clinical testing. Allele origin: germline.
Comment: This sequence change replaces serine, which is neutral and polar, with proline, which is neutral and non-polar, at codon 700 of the FANCA protein (p.Ser700Pro). This variant is not present in population databases (gnomAD no frequency). This variant has not been reported in the literature in individuals affected with FANCA-related conditions. ClinVar contains an entry for this variant (Variation ID: 934036). Invitae Evidence Modeling of protein sequence and biophysical properties (such as structural, functional, and spatial information, amino acid conservation, physicochemical variation, residue mobility, and thermodynamic stability) indicates that this missense variant is not expected to disrupt FANCA protein function with a negative predictive value of 95%. In summary, the available evidence is currently insufficient to determine the role of this variant in disease. Therefore, it has been classified as a Variant of Uncertain Significance.

Ambry Genetics
Classification: Uncertain significance for Inborn genetic diseases. Last evaluated: 2024-12-14. Review status: criteria provided, single submitter. Criteria: Ambry Variant Classification Scheme 2023. Collection method: clinical testing. Allele origin: germline.
Comment: The p.S700P variant (also known as c.2098T>C), located in coding exon 23 of the FANCA gene, results from a T to C substitution at nucleotide position 2098. The serine at codon 700 is replaced by proline, an amino acid with similar properties. This amino acid position is conserved. In addition, this alteration is predicted to be tolerated by in silico analysis. Based on the available evidence, the clinical significance of this variant remains unclear.

Quest Diagnostics Nichols Institute San Juan Capistrano
Classification: Uncertain significance. Last evaluated: 2023-08-03. Review status: criteria provided, single submitter. Criteria: Quest Diagnostics criteria. Collection method: clinical testing. Allele origin: unknown.
Comment: This variant has not been reported in the published literature. The frequency of this variant in the general population, 0.0000066 (1/152120 chromosomes (Genome Aggregation Database)), is uninformative in the assessment of its pathogenicity. Analysis of this variant using bioinformatics tools for the prediction of the effect of amino acid changes on protein structure and function yielded predictions that this variant is benign. Based on the available information, we are unable to determine the clinical significance of this variant.

Sema4
Classification: Uncertain significance for Fanconi anemia. Last evaluated: 2022-01-06. Review status: criteria provided, single submitter. Criteria: Sema4 Curation Guidelines. Collection method: curation. Allele origin: germline.
Comment: The FANCA c.2098T>C (p.S700P) variant has not been reported in the literature to our knowledge. It was not observed in the large and broad cohorts of the Genome Aggregation Database. The variant has been reported in ClinVar (Variation ID 934036). Functional studies have not been performed, and in silico predictions of the variant's effect on protein function are inconclusive. The evidence is insufficient to meet ACMG/AMP criteria for classifying the variant as benign or pathogenic. Thus, the clinical significance of this variant is currently uncertain.

Natera, Inc.
Classification: Uncertain significance for Fanconi anemia. Last evaluated: 2020-08-19. Review status: no assertion criteria provided. Collection method: clinical testing. Allele origin: germline. Not counted in ClinVar's aggregate classification.